The following is an entry in ClinVar:

NM_001377.3(DYNC2H1):c.12389A>G (p.Lys4130Arg)

Gene: DYNC2H1 (dynein cytoplasmic 2 heavy chain 1; plus strand). Cytogenetic location: 11q22.3.
Variant type: single nucleotide variant.
Coding change: c.12389A>G on transcript NM_001377.3 (MANE Select); coding-DNA position 12389, A replaced by G.
Protein change: p.Lys4130Arg; replaces lysine 4130 with arginine.
Molecular consequence: missense variant.
Genome position (GRCh38, 1-based): chr11:103,435,965, A>G. VCF-style: chr11-103435965-A-G. GRCh37 (hg19) VCF-style: chr11-103306693-A-G.
Other names: c.12410A>G, p.Lys4137Arg (NM_001080463.2); short protein forms K4137R, K4130R.
Identifiers: ClinVar variation 302121 (VCV000302121.10), dbSNP rs368043505, ClinGen allele CA6255542.

ClinVar aggregate classification (germline): Uncertain significance. Review status: criteria provided, multiple submitters, no conflicts (2 of 4 stars). 4 submissions from 4 submitters: Uncertain significance (4). Last evaluated 2025-09-03.

Conditions:
Jeune thoracic dystrophy. Also called: Short-rib thoracic dysplasia; Jeune syndrome; Infantile thoracic dystrophy; Thoracic pelvic phalangeal dystrophy; Jeune's syndrome; Chondroectodermal dysplasia-like syndrome. Identifiers: Orphanet 474, MedGen C0265275, MONDO:0018770.
Asphyxiating thoracic dystrophy 3. Also called: POLYDACTYLY WITH NEONATAL CHONDRODYSTROPHY, TYPE I; SHORT-RIB THORACIC DYSPLASIA 3 WITH OR WITHOUT POLYDACTYLY; SHORT-RIB THORACIC DYSPLASIA 3/6 WITH POLYDACTYLY, DIGENIC; Short rib polydactyly syndrome 2B; Saldino-Noonan Syndrome. Identifiers: Orphanet 474, Orphanet 93269, Orphanet 93270, Orphanet 93271, MedGen C0036069, MONDO:0013127, OMIM 613091.
DYNC2H1-related disorder. Also called: DYNC2H1-related condition; DYNC2H1-related disorders. Identifiers: MedGen CN378770.

Allele frequency attached by ClinVar (database versions not stated): ExAC 0.00006; gnomAD 0.00007 and 0.00008; gnomAD exomes 0.00007 and 0.00016; ESP Exome Variant Server 0.00008; TOPMed 0.00009.
gnomAD v4.1: 253 of 1,612,534 alleles (0.016%); highest among the groups gnomAD compares: Non-Finnish European, 0.019%; no homozygotes.

Submissions (4):

PreventionGenetics, part of Exact Sciences
Classification: Uncertain significance for DYNC2H1-related condition. Last evaluated: 2025-09-03. Review status: criteria provided, single submitter. Criteria: ACMG Guidelines, 2015. Collection method: clinical testing. Allele origin: germline.
Comment: The DYNC2H1 c.12410A>G variant is predicted to result in the amino acid substitution p.Lys4137Arg. To our knowledge, this variant has not been reported in the literature. This variant is reported in 0.015% of alleles in individuals of European (Non-Finnish) descent in gnomAD. At this time, the clinical significance of this variant is uncertain due to the absence of conclusive functional and genetic evidence.

Blueprint Genetics
Classification: Uncertain significance. Last evaluated: 2024-03-17. Review status: criteria provided, single submitter. Criteria: ACMG Guidelines, 2015. Collection method: clinical testing. Allele origin: germline.

Labcorp Genetics (formerly Invitae), Labcorp
Classification: Uncertain significance for Jeune thoracic dystrophy. Last evaluated: 2021-11-27. Review status: criteria provided, single submitter. Criteria: Invitae Variant Classification Sherloc (09022015). Collection method: clinical testing. Allele origin: germline.
Comment: This sequence change replaces lysine, which is basic and polar, with arginine, which is basic and polar, at codon 4137 of the DYNC2H1 protein (p.Lys4137Arg). This variant is present in population databases (rs368043505, gnomAD 0.01%). This variant has not been reported in the literature in individuals affected with DYNC2H1-related conditions. ClinVar contains an entry for this variant (Variation ID: 302121). Advanced modeling of protein sequence and biophysical properties (such as structural, functional, and spatial information, amino acid conservation, physicochemical variation, residue mobility, and thermodynamic stability) performed at Invitae indicates that this missense variant is not expected to disrupt DYNC2H1 protein function. Algorithms developed to predict the effect of sequence changes on RNA splicing suggest that this variant may create or strengthen a splice site. In summary, the available evidence is currently insufficient to determine the role of this variant in disease. Therefore, it has been classified as a Variant of Uncertain Significance.

Illumina Laboratory Services, Illumina
Classification: Uncertain significance for Asphyxiating thoracic dystrophy 3. Last evaluated: 2018-01-13. Review status: criteria provided, single submitter. Criteria: ICSL Variant Classification Criteria 13 December 2019. Collection method: clinical testing. Allele origin: germline.